The following is an entry in ClinVar:

ClinVar aggregate classification (germline): Uncertain significance. Review status: criteria provided, multiple submitters, no conflicts (2 of 4 stars). 3 submissions from 3 submitters: Uncertain significance (3). Last evaluated 2025-06-30.

Conditions:
Inborn genetic diseases. Identifiers: MedGen C0950123, MeSH D030342.
Infantile-onset ascending hereditary spastic paralysis (IAHSP). Also called: Infantile-Onset Ascending Hereditary Spastic Paralysis (IAHSP); Autosomal Recessive Juvenile Amyotrophic Lateral Sclerosis. Identifiers: Orphanet 293168, MedGen C2931441, MONDO:0011797, OMIM 607225. Disease mechanism: loss of function.

Allele frequency attached by ClinVar (database versions not stated): ExAC 0.00003; gnomAD 0.00004 and 0.00005; gnomAD exomes 0.00005 and 0.00006; TOPMed 0.00005; ESP Exome Variant Server 0.00017; 1000 Genomes Project 0.00020; 1000 Genomes Project 30x 0.00031.
gnomAD v4.1: 88 of 1,610,306 alleles (0.0055%); highest among the groups gnomAD compares: Non-Finnish European, 0.0069%; no homozygotes.

Submissions (3):

Ambry Genetics
Classification: Uncertain significance for Inborn genetic diseases. Last evaluated: 2025-06-30. Review status: criteria provided, single submitter. Criteria: Ambry Variant Classification Scheme 2023. Collection method: clinical testing. Allele origin: germline.

Labcorp Genetics (formerly Invitae), Labcorp
Classification: Uncertain significance for Infantile-onset ascending hereditary spastic paralysis. Last evaluated: 2022-05-15. Review status: criteria provided, single submitter. Criteria: Invitae Variant Classification Sherloc (09022015). Collection method: clinical testing. Allele origin: germline.
Comment: This sequence change replaces alanine, which is neutral and non-polar, with threonine, which is neutral and polar, at codon 377 of the ALS2 protein (p.Ala377Thr). This variant is present in population databases (rs200990057, gnomAD 0.008%). This variant has not been reported in the literature in individuals affected with ALS2-related conditions. ClinVar contains an entry for this variant (Variation ID: 804517). Algorithms developed to predict the effect of missense changes on protein structure and function output the following: SIFT: "Tolerated"; PolyPhen-2: "Benign"; Align-GVGD: "Class C0". The threonine amino acid residue is found in multiple mammalian species, which suggests that this missense change does not adversely affect protein function. Algorithms developed to predict the effect of sequence changes on RNA splicing suggest that this variant may create or strengthen a splice site. In summary, the available evidence is currently insufficient to determine the role of this variant in disease. Therefore, it has been classified as a Variant of Uncertain Significance.

Athena Diagnostics
Classification: Uncertain significance. Last evaluated: 2018-10-25. Review status: criteria provided, single submitter. Criteria: Athena Diagnostics Criteria. Collection method: clinical testing. Allele origin: germline.

NM_020919.4(ALS2):c.1129G>A (p.Ala377Thr)

Gene: ALS2 (alsin Rho guanine nucleotide exchange factor ALS2; minus strand). Cytogenetic location: 2q33.1.
Variant type: single nucleotide variant.
Coding change: c.1129G>A on transcript NM_020919.4 (MANE Select); coding-DNA position 1129, G replaced by A.
Protein change: p.Ala377Thr; replaces alanine 377 with threonine.
Molecular consequence: missense variant.
Genome position (GRCh38, 1-based): chr2:201,757,744, C>T on the plus strand (G>A on the coding strand, the complement: ALS2 is on the minus strand). VCF-style: chr2-201757744-C-T. GRCh37 (hg19) VCF-style: chr2-202622467-C-T.
Other names: short protein forms A377T.
Identifiers: ClinVar variation 804517 (VCV000804517.8), dbSNP rs200990057, ClinGen allele CA2058511.